The following is an entry in ClinVar:

ClinVar aggregate classification (germline): Uncertain significance (1 of 4 stars; one submission).

Conditions:
T-cell immunodeficiency with epidermodysplasia verruciformis. Identifiers: Orphanet 324294, MedGen C4749500, MONDO:0017925.

Allele frequency attached by ClinVar (database versions not stated): gnomAD exomes below 0.00001; ExAC 0.00001.
gnomAD v4.1: 6 of 1,614,178 alleles (0.00037%); highest among the groups gnomAD compares: Middle Eastern, 0.016%; no homozygotes.

Submission:

Labcorp Genetics (formerly Invitae), Labcorp
Classification: Uncertain significance for T-cell immunodeficiency with epidermodysplasia verruciformis. Last evaluated: 2021-08-02. Review status: criteria provided, single submitter. Criteria: Invitae Variant Classification Sherloc (09022015). Collection method: clinical testing. Allele origin: germline.
Comment: This sequence change replaces valine with leucine at codon 111 of the RHOH protein (p.Val111Leu). The valine residue is highly conserved and there is a small physicochemical difference between valine and leucine. This variant is present in population databases (rs767409335, ExAC 0.01%). This variant has not been reported in the literature in individuals affected with RHOH-related conditions. Algorithms developed to predict the effect of missense changes on protein structure and function (SIFT, PolyPhen-2, Align-GVGD) all suggest that this variant is likely to be tolerated. In summary, the available evidence is currently insufficient to determine the role of this variant in disease. Therefore, it has been classified as a Variant of Uncertain Significance.

NM_004310.5(RHOH):c.331G>C (p.Val111Leu)

Gene: RHOH (ras homolog family member H; plus strand). Cytogenetic location: 4p14.
Variant type: single nucleotide variant.
Coding change: c.331G>C on transcript NM_004310.5 (MANE Select); coding-DNA position 331, G replaced by C.
Protein change: p.Val111Leu; replaces valine 111 with leucine.
Molecular consequence: missense variant.
Genome position (GRCh38, 1-based): chr4:40,243,717, G>C. VCF-style: chr4-40243717-G-C. GRCh37 (hg19) VCF-style: chr4-40245337-G-C.
Other names: c.331G>C, p.Val111Leu (NM_001278359.2, NM_001278360.2, NM_001278361.2 and 8 more transcripts); short protein forms V111L.
Identifiers: ClinVar variation 1494921 (VCV001494921.6), dbSNP rs767409335, ClinGen allele CA2897757.